The following is an entry in ClinVar:

NM_025137.4(SPG11):c.6330G>A (p.Gly2110=)

Gene: SPG11 (SPG11 vesicle trafficking associated, spatacsin; minus strand). Cytogenetic location: 15q21.1.
Variant type: single nucleotide variant.
Coding change: c.6330G>A on transcript NM_025137.4 (MANE Select); coding-DNA position 6330, G replaced by A.
Protein change: p.Gly2110=; no amino-acid change (glycine 2110 retained).
Molecular consequence: synonymous variant.
Genome position (GRCh38, 1-based): chr15:44,572,696, C>T on the plus strand (G>A on the coding strand, the complement: SPG11 is on the minus strand). VCF-style: chr15-44572696-C-T. GRCh37 (hg19) VCF-style: chr15-44864894-C-T.
Other names: p.Gly2110=; c.5991G>A, p.Gly1997= (NM_001160227.2).
Identifiers: ClinVar variation 130367 (VCV000130367.30), dbSNP rs35932349, ClinGen allele CA155282.

ClinVar aggregate classification (germline): Benign. Review status: criteria provided, multiple submitters, no conflicts (2 of 4 stars). 15 submissions from 13 submitters: Benign (11). 4 of the submissions do not count toward it. Last evaluated 2026-02-04.

Conditions:
Charcot-Marie-Tooth disease axonal type 2X. Also called: CHARCOT-MARIE-TOOTH DISEASE, AXONAL, AUTOSOMAL RECESSIVE, TYPE 2X; CHARCOT-MARIE-TOOTH NEUROPATHY, TYPE 2X. Identifiers: Orphanet 466775, MedGen C5569024, MONDO:0014726, OMIM 616668.
Amyotrophic lateral sclerosis type 5 (ALS5). Also called: AMYOTROPHIC LATERAL SCLEROSIS 5, JUVENILE. Identifiers: Orphanet 300605, MedGen C1865864, MONDO:0011196, OMIM 602099.
Hereditary spastic paraplegia. Also called: Familial spastic paraparesis. Identifiers: Orphanet 685, MedGen C0037773, MONDO:0019064. Disease mechanism: loss of function.
Hereditary spastic paraplegia 11. Also called: Spastic paraplegia, mental retardation and thin corpus callosum; SPASTIC PARAPLEGIA, AUTOSOMAL RECESSIVE, COMPLICATED, WITH THIN CORPUS CALLOSUM; SPASTIC PARAPLEGIA, AUTOSOMAL RECESSIVE, WITH MENTAL IMPAIRMENT AND THIN CORPUS CALLOSUM; Spastic Paraplegia 11; Nakamura Osame syndrome; Autosomal recessive hereditary spastic paraplegia, mental impairment, and thin corpus callosum. Identifiers: Orphanet 2822, MedGen C1858479, MONDO:0011445, OMIM 604360.

Allele frequency attached by ClinVar (database versions not stated): ESP Exome Variant Server 0.00831; gnomAD exomes 0.00982 and 0.01797; gnomAD 0.01279 and 0.01435; 1000 Genomes Project 30x 0.03326; 1000 Genomes Project 0.03574; ExAC 0.01812; TOPMed 0.01285.
gnomAD v4.1: 16,723 of 1,614,046 alleles (1%); highest among the groups gnomAD compares: East Asian, 7.6%; 337 homozygotes.

Submissions (15):

Labcorp Genetics (formerly Invitae), Labcorp
Classification: Benign for Hereditary spastic paraplegia 11. Last evaluated: 2026-02-04. Review status: criteria provided, single submitter. Criteria: Invitae Variant Classification Sherloc (09022015). Collection method: clinical testing. Allele origin: germline.

Genome Diagnostics Laboratory, The Hospital for Sick Children
Classification: Benign for Hereditary spastic paraplegia. Last evaluated: 2021-12-14. Review status: criteria provided, single submitter. Criteria: ACMG Guidelines, 2015. Collection method: clinical testing. Allele origin: germline. Affected: yes.

Women's Health and Genetics/Laboratory Corporation of America, LabCorp
Classification: Benign. Last evaluated: 2021-12-10. Review status: criteria provided, single submitter. Criteria: LabCorp Variant Classification Summary - May 2015. Collection method: clinical testing. Allele origin: germline.

Illumina Laboratory Services, Illumina
Classification: Benign for Hereditary spastic paraplegia 11. Last evaluated: 2018-01-12. Review status: criteria provided, single submitter. Criteria: ICSL Variant Classification Criteria 13 December 2019. Collection method: clinical testing. Allele origin: germline.
Comment: This variant was observed in the ICSL laboratory as part of a predisposition screen in an ostensibly healthy population. It had not been previously curated by ICSL or reported in the Human Gene Mutation Database (HGMD: prior to June 1st, 2018), and was therefore a candidate for classification through an automated scoring system. Utilizing variant allele frequency, disease prevalence and penetrance estimates, and inheritance mode, an automated score was calculated to assess if this variant is too frequent to cause the disease. Based on the score and internal cut-off values, a variant classified as benign is not then subjected to further curation. The score for this variant resulted in a classification of benign for this disease.

Athena Diagnostics
Classification: Benign for Hereditary spastic paraplegia 11. Last evaluated: 2017-05-15. Review status: criteria provided, single submitter. Criteria: Athena Diagnostics Criteria. Collection method: clinical testing. Allele origin: germline.

Mayo Clinic Laboratories, Mayo Clinic
Classification: Benign. Last evaluated: 2016-11-25. Review status: criteria provided, single submitter. Criteria: ACMG Guidelines, 2015. Collection method: clinical testing. Allele origin: germline. Observed: 70 variant alleles.

GeneDx
Classification: Benign. Last evaluated: 2016-05-25. Review status: criteria provided, single submitter. Criteria: GeneDx Variant Classification (06012015). Collection method: clinical testing. Allele origin: germline. Affected: yes.
Comment: This variant is considered likely benign or benign based on one or more of the following criteria: it is a conservative change, it occurs at a poorly conserved position in the protein, it is predicted to be benign by multiple in silico algorithms, and/or has population frequency not consistent with disease.

Breakthrough Genomics
Classification: Benign. Review status: criteria provided, single submitter. Criteria: ACMG Guidelines, 2015. Collection method: not provided. Allele origin: germline. Inheritance: Autosomal recessive inheritance. Affected: yes.

Genome-Nilou Lab
Classification: Benign for Amyotrophic lateral sclerosis type 5. Review status: criteria provided, single submitter. Criteria: ACMG Guidelines, 2015. Collection method: clinical testing. Allele origin: germline.

Genome-Nilou Lab
Classification: Benign for Charcot-Marie-Tooth disease axonal type 2X. Review status: criteria provided, single submitter. Criteria: ACMG Guidelines, 2015. Collection method: clinical testing. Allele origin: germline.

Genome-Nilou Lab
Classification: Benign for Hereditary spastic paraplegia 11. Review status: criteria provided, single submitter. Criteria: ACMG Guidelines, 2015. Collection method: clinical testing. Allele origin: germline.

Clinical Genetics, Academic Medical Center
Classification: Benign. Review status: no assertion criteria provided. Collection method: clinical testing. Allele origin: germline. Affected: yes. Study: VKGL Data-share Consensus. Not counted in ClinVar's aggregate classification.

Genetic Services Laboratory, University of Chicago
Classification: Likely benign for AllHighlyPenetrant. Review status: no assertion criteria provided. Collection method: clinical testing. Allele origin: germline. Inheritance: Autosomal recessive inheritance. Not counted in ClinVar's aggregate classification.
Comment: Likely benign based on allele frequency in 1000 Genomes Project or ESP global frequency and its presence in a patient with a rare or unrelated disease phenotype. NOT Sanger confirmed.

Genome Diagnostics Laboratory, Amsterdam University Medical Center
Classification: Benign. Review status: no assertion criteria provided. Collection method: clinical testing. Allele origin: germline. Affected: yes. Study: VKGL Data-share Consensus. Not counted in ClinVar's aggregate classification.

Joint Genome Diagnostic Labs from Nijmegen and Maastricht, Radboudumc and MUMC+
Classification: Benign. Review status: no assertion criteria provided. Collection method: clinical testing. Allele origin: germline. Affected: yes. Study: VKGL Data-share Consensus. Not counted in ClinVar's aggregate classification.

Literature cited by the submitters: PubMed 18337587 (cited by Athena Diagnostics).